The following is an entry in ClinVar:

NM_006953.4(UPK3A):c.417C>T (p.Asn139=)

Gene: UPK3A (uroplakin 3A; plus strand). Cytogenetic location: 22q13.31.
Variant type: single nucleotide variant.
Coding change: c.417C>T on transcript NM_006953.4 (MANE Select); coding-DNA position 417, C replaced by T.
Protein change: p.Asn139=; no amino-acid change (asparagine 139 retained).
Molecular consequence: synonymous variant. On other transcripts: intron variant (1).
Genome position (GRCh38, 1-based): chr22:45,287,380, C>T. VCF-style: chr22-45287380-C-T. GRCh37 (hg19) VCF-style: chr22-45683261-C-T.
Other names: c.208+1284C>T (NM_001167574.2).
Identifiers: ClinVar variation 899760 (VCV000899760.5), dbSNP rs531623690, ClinGen allele CA10284369.
Genomic context (GRCh38, chr22:45,287,380, plus strand): 5'-TGGGGATGTGTCCAAGGCCTCACAGATCCTGAATGCCTACCTGGTCAGGGTGGGTGCCAA[C>T]GGGACCTGCCTGTGGGATCCCAACTTCCAGGGCCTCTGTAACGCACCCCTGTCGGCAGCC-3'
Protein context (NP_008884.1, residues 129-149): LNAYLVRVGA[Asn139=]GTCLWDPNFQ

ClinVar aggregate classification (germline): Likely benign (1 of 4 stars; one submission).

Conditions:
Renal hypodysplasia/aplasia 1 (RHDA1). Also called: HEREDITARY RENAL APLASIA; RENAL APLASIA. Identifiers: Orphanet 411709, MedGen C1619700, MONDO:0024519, OMIM 191830.

Allele frequency attached by ClinVar (database versions not stated): gnomAD 0.00003 and 0.00014; TOPMed 0.00004; gnomAD exomes 0.00027 and 0.00052; 1000 Genomes Project 0.00040; ExAC 0.00055; 1000 Genomes Project 30x 0.00078.
gnomAD v4.1: 416 of 1,612,872 alleles (0.026%); highest among the groups gnomAD compares: South Asian, 0.36%; 6 homozygotes.

Submission:

Illumina Laboratory Services, Illumina
Classification: Likely benign for Renal hypodysplasia/aplasia 1. Last evaluated: 2018-01-13. Review status: criteria provided, single submitter. Criteria: ICSL Variant Classification Criteria 13 December 2019. Collection method: clinical testing. Allele origin: germline.
Comment: This variant was observed in the ICSL laboratory as part of a predisposition screen in an ostensibly healthy population. It had not been previously curated by ICSL or reported in the Human Gene Mutation Database (HGMD: prior to June 1st, 2018), and was therefore a candidate for classification through an automated scoring system. Utilizing variant allele frequency, disease prevalence and penetrance estimates, and inheritance mode, an automated score was calculated to assess if this variant is too frequent to cause the disease. Based on the score and internal cut-off values, a variant classified as likely benign is not then subjected to further curation. The score for this variant resulted in a classification of likely benign for this disease.